The following is an entry in ClinVar:

NM_201384.3(PLEC):c.12389C>T (p.Thr4130Met)

Gene: PLEC (plectin; minus strand). Cytogenetic location: 8q24.3.
Variant type: single nucleotide variant.
Coding change: c.12389C>T on transcript NM_201384.3 (MANE Select); coding-DNA position 12389, C replaced by T.
Protein change: p.Thr4130Met; replaces threonine 4130 with methionine.
Molecular consequence: missense variant.
Genome position (GRCh38, 1-based): chr8:143,917,432, G>A on the plus strand (C>T on the coding strand, the complement: PLEC is on the minus strand). VCF-style: chr8-143917432-G-A. GRCh37 (hg19) VCF-style: chr8-144991600-G-A.
Other names: c.12470C>T, p.Thr4157Met (NM_000445.5); c.9089C>T, p.Thr3030Met (NM_001410941.1); c.12347C>T, p.Thr4116Met (NM_201378.4); c.12323C>T, p.Thr4108Met (NM_201379.3); c.12800C>T, p.Thr4267Met (NM_201380.4); c.12293C>T, p.Thr4098Met (NM_201381.3); c.12389C>T, p.Thr4130Met (NM_201382.4); c.12401C>T, p.Thr4134Met (NM_201383.3); short protein forms T4098M, T4108M, T4130M, T4267M, T3030M, T4116M, T4134M, T4157M.
Identifiers: ClinVar variation 4983120 (VCV004983120.1).
Genomic context (GRCh38, chr8:143,917,432, plus strand): 5'-TTGCCCGTCTCGGGGTCCACGATGACCACTCGGCGCTTGCGCACGGAGGACTTGGAGGAC[G>A]TCTTCCGCTCCCGCTTCTTCTCCTTCAGCGGCAAGAGACACAGGCCCGTCTGGGGGTCAG-3'
Protein context (NP_958786.1, residues 4120-4140): PLKEKKRERK[Thr4130Met]SSKSSVRKRR

ClinVar aggregate classification (germline): Uncertain significance (1 of 4 stars; one submission).

Conditions:
PLEC-related disorder. Also called: PLEC-related disorders; PLEC-related condition.

gnomAD v4.1: 16 of 1,613,196 alleles (0.00099%); highest among the groups gnomAD compares: African/African-American, 0.0067%; no homozygotes.

Submission:

PreventionGenetics, part of Exact Sciences
Classification: Uncertain significance for PLEC-related condition. Last evaluated: 2026-04-07. Review status: criteria provided, single submitter. Criteria: ACMG Guidelines, 2015. Collection method: clinical testing. Allele origin: germline.
Comment: The PLEC c.12470C>T variant is predicted to result in the amino acid substitution p.Thr4157Met. To our knowledge, this variant has not been reported in the literature. This variant is reported in 0.00088% of alleles in individuals of European (Non-Finnish) descent in gnomAD. At this time, the clinical significance of this variant is uncertain due to the absence of conclusive functional and genetic evidence.